The following is an entry in ClinVar:

ClinVar aggregate classification (germline): Uncertain significance. Review status: criteria provided, multiple submitters, no conflicts (2 of 4 stars). 2 submissions from 2 submitters: Uncertain significance (2). Last evaluated 2025-03-13.

Conditions:
Chédiak-Higashi syndrome (CHS). Also called: Chediak-Higashi Syndrome. Identifiers: Orphanet 167, MedGen C0007965, MONDO:0008963, OMIM 214500.
LYST-related disorder. Also called: LYST-related condition.

Allele frequency attached by ClinVar (database versions not stated): gnomAD 0.00001; gnomAD exomes 0.00001; TOPMed 0.00001; ExAC 0.00004.
gnomAD v4.1: 16 of 1,612,970 alleles (0.00099%); highest among the groups gnomAD compares: East Asian, 0.036%; no homozygotes.

Submissions (2):

PreventionGenetics, part of Exact Sciences
Classification: Uncertain significance for LYST-related condition. Last evaluated: 2025-03-13. Review status: criteria provided, single submitter. Criteria: ACMG Guidelines, 2015. Collection method: clinical testing. Allele origin: germline.
Comment: The LYST c.2172A>G variant is predicted to result in the amino acid substitution p.Ile724Met. This variant was reported in an individual with Haemophagocytic lymphohistiocytosis, however additional information was not provided (Table 2, Miao et al. 2019. PubMed ID: 30899265). This variant is reported in 0.10% of alleles in individuals of East Asian descent in gnomAD. Although we suspect that this variant may be benign, at this time, the clinical significance of this variant is uncertain due to the absence of conclusive functional and genetic evidence.

Labcorp Genetics (formerly Invitae), Labcorp
Classification: Uncertain significance for Chédiak-Higashi syndrome. Last evaluated: 2022-08-05. Review status: criteria provided, single submitter. Criteria: Invitae Variant Classification Sherloc (09022015). Collection method: clinical testing. Allele origin: germline.
Comment: This sequence change replaces isoleucine, which is neutral and non-polar, with methionine, which is neutral and non-polar, at codon 724 of the LYST protein (p.Ile724Met). This variant is present in population databases (rs774812664, gnomAD 0.1%). This missense change has been observed in individual(s) with clinical features of LYST-related conditions (PMID: 30899265). ClinVar contains an entry for this variant (Variation ID: 842370). Algorithms developed to predict the effect of missense changes on protein structure and function (SIFT, PolyPhen-2, Align-GVGD) all suggest that this variant is likely to be tolerated. In summary, the available evidence is currently insufficient to determine the role of this variant in disease. Therefore, it has been classified as a Variant of Uncertain Significance.

Literature cited by the submitters: PubMed 30899265 (cited by Labcorp Genetics (formerly Invitae), Labcorp).

NM_000081.4(LYST):c.2172A>G (p.Ile724Met)

Gene: LYST (lysosomal trafficking regulator; minus strand). Cytogenetic location: 1q42.3.
Variant type: single nucleotide variant.
Coding change: c.2172A>G on transcript NM_000081.4 (MANE Select); coding-DNA position 2172, A replaced by G.
Protein change: p.Ile724Met; replaces isoleucine 724 with methionine.
Molecular consequence: missense variant.
Genome position (GRCh38, 1-based): chr1:235,808,646, T>C on the plus strand (A>G on the coding strand, the complement: LYST is on the minus strand). VCF-style: chr1-235808646-T-C. GRCh37 (hg19) VCF-style: chr1-235971946-T-C.
Other names: c.2172A>G, p.Ile724Met (NM_001301365.1); short protein forms I724M.
Identifiers: ClinVar variation 842370 (VCV000842370.8), dbSNP rs774812664, ClinGen allele CA1467345.
Genomic context (GRCh38, chr1:235,808,646, plus strand): 5'-TTCAACTCCTCTTTGGAGCACAGGATTAAATATGTAATTATATAATTTCCACTGAACAAC[T>C]ATATTGCCTTTCTGGATTAAATTGCAAATGTGATTTGCAATCTGTATACTATGTAATCTG-3'
Protein context (NP_000072.2, residues 714-734): HICNLIQKGN[Ile724Met]VVQWKLYNYI